The following is an entry in ClinVar:

NM_004385.5(VCAN):c.2879C>A (p.Thr960Asn)

Gene: VCAN (versican; plus strand). Cytogenetic location: 5q14.3.
Variant type: single nucleotide variant.
Coding change: c.2879C>A on transcript NM_004385.5 (MANE Select); coding-DNA position 2879, C replaced by A.
Protein change: p.Thr960Asn; replaces threonine 960 with asparagine.
Molecular consequence: missense variant. On other transcripts: intron variant (2).
Genome position (GRCh38, 1-based): chr5:83,521,185, C>A. VCF-style: chr5-83521185-C-A. GRCh37 (hg19) VCF-style: chr5-82817004-C-A.
Other names: c.2879C>A (NM_004385.4); c.2879C>A, p.Thr960Asn (NM_001164098.2); c.1042+8789C>A (NM_001164097.2, NM_001126336.3); short protein forms T960N.
Identifiers: ClinVar variation 2000029 (VCV002000029.5), dbSNP rs147544404, ClinGen allele CA360304885.
Genomic context (GRCh38, chr5:83,521,185, plus strand): 5'-TTCCCCAATTTGCACACACTTCAGAGGTGGAAGGATTAGCATTTGTTAGTTATAGTAGCA[C>A]CCAAGAGCCTACTACTTATGTAGACTCTTCCCATACCATTCCTCTTTCTGTAATTCCCAA-3'
Protein context (NP_004376.2, residues 950-970): EGLAFVSYSS[Thr960Asn]QEPTTYVDSS

ClinVar aggregate classification (germline): Uncertain significance. Review status: criteria provided, multiple submitters, no conflicts (2 of 4 stars). 2 submissions from 2 submitters: Uncertain significance (2). Last evaluated 2024-10-03.

Conditions:
Inborn genetic diseases. Identifiers: MedGen C0950123, MeSH D030342.

gnomAD v4.1: 21 of 1,613,492 alleles (0.0013%); highest among the groups gnomAD compares: Non-Finnish European, 0.0016%; no homozygotes.

Submissions (2):

Ambry Genetics
Classification: Uncertain significance for Inborn genetic diseases. Last evaluated: 2024-10-03. Review status: criteria provided, single submitter. Criteria: Ambry Variant Classification Scheme 2023. Collection method: clinical testing. Allele origin: germline.

Labcorp Genetics (formerly Invitae), Labcorp
Classification: Uncertain significance. Last evaluated: 2022-11-21. Review status: criteria provided, single submitter. Criteria: Invitae Variant Classification Sherloc (09022015). Collection method: clinical testing. Allele origin: germline.
Comment: In summary, the available evidence is currently insufficient to determine the role of this variant in disease. Therefore, it has been classified as a Variant of Uncertain Significance. This sequence change replaces threonine, which is neutral and polar, with asparagine, which is neutral and polar, at codon 960 of the VCAN protein (p.Thr960Asn). This variant is present in population databases (no rsID available, gnomAD 0.01%). This variant has not been reported in the literature in individuals affected with VCAN-related conditions. Algorithms developed to predict the effect of missense changes on protein structure and function are either unavailable or do not agree on the potential impact of this missense change (SIFT: "Deleterious"; PolyPhen-2: "Probably Damaging"; Align-GVGD: "Class C0").